The following is an entry in ClinVar:

ClinVar aggregate classification (germline): Uncertain significance (1 of 4 stars; one submission).

Conditions:
Inborn genetic diseases. Identifiers: MedGen C0950123, MeSH D030342.

gnomAD v4.1: 1 of 1,613,968 alleles (0.000062%); highest among the groups gnomAD compares: Non-Finnish European, 0.000085%; no homozygotes.

Submission:

Ambry Genetics
Classification: Uncertain significance for Inborn genetic diseases. Last evaluated: 2024-09-26. Review status: criteria provided, single submitter. Criteria: Ambry Variant Classification Scheme 2023. Collection method: clinical testing. Allele origin: germline.
Comment: The p.M442K variant (also known as c.1325T>A), located in coding exon 10 of the BUB1B gene, results from a T to A substitution at nucleotide position 1325. The methionine at codon 442 is replaced by lysine, an amino acid with similar properties. This amino acid position is conserved. In addition, the in silico prediction for this alteration is inconclusive. Based on the available evidence, the clinical significance of this variant remains unclear.

NM_001211.6(BUB1B):c.1325T>A (p.Met442Lys)

Gene: BUB1B (BUB1 mitotic checkpoint serine/threonine kinase B; plus strand). Cytogenetic location: 15q15.1.
Variant type: single nucleotide variant.
Coding change: c.1325T>A on transcript NM_001211.6 (MANE Select); coding-DNA position 1325, T replaced by A.
Protein change: p.Met442Lys; replaces methionine 442 with lysine.
Molecular consequence: missense variant.
Genome position (GRCh38, 1-based): chr15:40,199,651, T>A. VCF-style: chr15-40199651-T-A. GRCh37 (hg19) VCF-style: chr15-40491852-T-A.
Other names: short protein forms M442K.
Identifiers: ClinVar variation 3483205 (VCV003483205.1).